The following is an entry in ClinVar:

NM_025114.4(CEP290):c.2244T>C (p.Ser748=)

Gene: CEP290 (centrosomal protein 290; minus strand). Cytogenetic location: 12q21.32.
Variant type: single nucleotide variant.
Coding change: c.2244T>C on transcript NM_025114.4 (MANE Select); coding-DNA position 2244, T replaced by C.
Protein change: p.Ser748=; no amino-acid change (serine 748 retained).
Molecular consequence: synonymous variant.
Genome position (GRCh38, 1-based): chr12:88,111,325, A>G on the plus strand (T>C on the coding strand, the complement: CEP290 is on the minus strand). VCF-style: chr12-88111325-A-G. GRCh37 (hg19) VCF-style: chr12-88505102-A-G.
Identifiers: ClinVar variation 1159710 (VCV001159710.24), dbSNP rs979564116, ClinGen allele CA241149446.

ClinVar aggregate classification (germline): Likely benign. Review status: criteria provided, multiple submitters, no conflicts (2 of 4 stars). 3 submissions from 3 submitters: Likely benign (2). 1 of the submissions does not count toward it. Last evaluated 2025-11-16.

Conditions:
Leber congenital amaurosis (LCA). Also called: Leber's amaurosis. Identifiers: Orphanet 65, MedGen C0339527, MeSH D057130, MONDO:0018998.
Joubert syndrome. Also called: JOUBERT-BOLTSHAUSER SYNDROME; Familial aplasia of the vermis. Identifiers: Orphanet 475, MedGen C5979921, MONDO:0018772.
Meckel-Gruber syndrome. Also called: Dysencephalia splachnocystica; DYSENCEPHALIA SPLANCHNOCYSTICA; GRUBER SYNDROME. Identifiers: Orphanet 564, MedGen C0265215, MONDO:0018921.
Nephronophthisis. Also called: Juvenile Nephronophthisis. Identifiers: Orphanet 655, MedGen C0687120, MONDO:0019005, HP:0000090.

Allele frequency attached by ClinVar (database versions not stated): TOPMed 0.00001; gnomAD 0.00003 and 0.00004.
gnomAD v4.1: 7 of 1,562,302 alleles (0.00045%); highest among the groups gnomAD compares: African/African-American, 0.0082%; no homozygotes.

Submissions (3):

Labcorp Genetics (formerly Invitae), Labcorp
Classification: Likely benign for Joubert syndrome; Meckel-Gruber syndrome; Nephronophthisis. Last evaluated: 2025-11-16. Review status: criteria provided, single submitter. Criteria: Invitae Variant Classification Sherloc (09022015). Collection method: clinical testing. Allele origin: germline.

CeGaT Center for Human Genetics Tuebingen
Classification: Likely benign. Last evaluated: 2024-10-01. Review status: criteria provided, single submitter. Criteria: CeGaT Center For Human Genetics Tuebingen Variant Classification Criteria Version 2. Collection method: clinical testing. Allele origin: germline. Affected: yes. Observed: 1 variant allele.
Comment: CEP290: BP4, BP7

Natera, Inc.
Classification: Likely benign for Leber congenital amaurosis. Last evaluated: 2021-09-30. Review status: no assertion criteria provided. Collection method: clinical testing. Allele origin: germline. Not counted in ClinVar's aggregate classification.